The following is an entry in ClinVar:

NM_003072.5(SMARCA4):c.2589C>A (p.Ile863=)

Gene: SMARCA4 (SWI/SNF related BAF chromatin remodeling complex subunit ATPase 4; plus strand). Cytogenetic location: 19p13.2.
Variant type: single nucleotide variant.
Coding change: c.2589C>A on transcript NM_003072.5 (MANE Select); coding-DNA position 2589, C replaced by A.
Protein change: p.Ile863=; no amino-acid change (isoleucine 863 retained).
Molecular consequence: synonymous variant. On other transcripts: non-coding transcript variant (1).
Genome position (GRCh38, 1-based): chr19:11,019,674, C>A. VCF-style: chr19-11019674-C-A. GRCh37 (hg19) VCF-style: chr19-11130350-C-A.
Other names: c.2589C>A, p.Ile863= (NM_001128844.3, NM_001128845.2, NM_001128846.2 and 5 more transcripts).
Identifiers: ClinVar variation 470312 (VCV000470312.18), dbSNP rs761698481, ClinGen allele CA305272732.

ClinVar aggregate classification (germline): Benign/Likely benign. Review status: criteria provided, multiple submitters, no conflicts (2 of 4 stars). 4 submissions from 4 submitters: Benign (1); Likely benign (3). Last evaluated 2026-07-13.

Conditions:
SMARCA4-related disorder. Also called: SMARCA4-related condition.
Hereditary cancer-predisposing syndrome. Also called: Hereditary Cancer Syndrome; Hereditary neoplastic syndrome; Neoplastic Syndromes, Hereditary; Tumor predisposition. Identifiers: Orphanet 140162, MedGen C0027672, MeSH D009386, MONDO:0015356.
Rhabdoid tumor predisposition syndrome 2 (RTPS2). Identifiers: Orphanet 231108, Orphanet 69077, MedGen C2750074, MONDO:0013224, OMIM 613325.

Allele frequency attached by ClinVar (database versions not stated): gnomAD exomes below 0.00001; gnomAD 0.00001; TOPMed 0.00001.
gnomAD v4.1: 3 of 1,613,252 alleles (0.00019%); highest among the groups gnomAD compares: Admixed American, 0.005%; no homozygotes.

Submissions (4):

Myriad Genetics, Inc.
Classification: Benign for Rhabdoid tumor predisposition syndrome 2. Last evaluated: 2026-07-13. Review status: criteria provided, single submitter. Criteria: Myriad Autosomal Dominant, Autosomal Recessive and X-Linked Classification Criteria (2023). Collection method: clinical testing. Allele origin: unknown.
Comment: This variant is considered benign. This variant is a silent/synonymous amino acid change and it is not expected to impact splicing.

Labcorp Genetics (formerly Invitae), Labcorp
Classification: Likely benign for Rhabdoid tumor predisposition syndrome 2. Last evaluated: 2026-02-03. Review status: criteria provided, single submitter. Criteria: Invitae Variant Classification Sherloc (09022015). Collection method: clinical testing. Allele origin: germline.

PreventionGenetics, part of Exact Sciences
Classification: Likely benign for SMARCA4-related condition. Last evaluated: 2025-04-11. Review status: criteria provided, single submitter. Criteria: ACMG Guidelines, 2015. Collection method: clinical testing. Allele origin: germline.
Comment: This variant is classified as likely benign based on ACMG/AMP sequence variant interpretation guidelines (Richards et al. 2015 PMID: 25741868, with internal and published modifications).

Ambry Genetics
Classification: Likely benign for Hereditary cancer-predisposing syndrome. Last evaluated: 2015-08-13. Review status: criteria provided, single submitter. Criteria: Ambry Variant Classification Scheme 2023. Collection method: clinical testing. Allele origin: germline.